The following is an entry in ClinVar:

NM_033118.4(MYLK2):c.1381G>C (p.Asp461His)

Gene: MYLK2 (myosin light chain kinase 2; plus strand). Cytogenetic location: 20q11.21.
Variant type: single nucleotide variant.
Coding change: c.1381G>C on transcript NM_033118.4 (MANE Select); coding-DNA position 1381, G replaced by C.
Protein change: p.Asp461His; replaces aspartic acid 461 with histidine.
Molecular consequence: missense variant.
Genome position (GRCh38, 1-based): chr20:31,831,098, G>C. VCF-style: chr20-31831098-G-C. GRCh37 (hg19) VCF-style: chr20-30418901-G-C.
Other names: short protein forms D461H.
Identifiers: ClinVar variation 3707833 (VCV003707833.2).

ClinVar aggregate classification (germline): Uncertain significance (1 of 4 stars; one submission).

Conditions:
Hypertrophic cardiomyopathy 1 (CMH1). Also called: Familial hypertrophic cardiomyopathy 1; MYH7-Related Familial Hypertrophic Cardiomyopathy. Identifiers: MedGen C3495498, MONDO:0008647, OMIM 192600.

Submission:

Labcorp Genetics (formerly Invitae), Labcorp
Classification: Uncertain significance for Hypertrophic cardiomyopathy 1. Last evaluated: 2026-01-15. Review status: criteria provided, single submitter. Criteria: Invitae Variant Classification Sherloc (09022015). Collection method: clinical testing. Allele origin: germline.
Comment: This sequence change replaces aspartic acid, which is acidic and polar, with histidine, which is basic and polar, at codon 461 of the MYLK2 protein (p.Asp461His). This variant is not present in population databases (gnomAD no frequency). This variant has not been reported in the literature in individuals affected with MYLK2-related conditions. ClinVar contains an entry for this variant (Variation ID: 3707833). Invitae Evidence Modeling of protein sequence and biophysical properties (such as structural, functional, and spatial information, amino acid conservation, physicochemical variation, residue mobility, and thermodynamic stability) indicates that this missense variant is not expected to disrupt MYLK2 protein function with a negative predictive value of 80%. In summary, the available evidence is currently insufficient to determine the role of this variant in disease. Therefore, it has been classified as a Variant of Uncertain Significance.